The following is an entry in ClinVar:

ClinVar aggregate classification (germline): Uncertain significance (1 of 4 stars; one submission).

Submission:

Labcorp Genetics (formerly Invitae), Labcorp
Classification: Uncertain significance. Last evaluated: 2024-11-28. Review status: criteria provided, single submitter. Criteria: Invitae Variant Classification Sherloc (09022015). Collection method: clinical testing. Allele origin: germline.
Comment: This sequence change replaces serine, which is neutral and polar, with isoleucine, which is neutral and non-polar, at codon 115 of the NTRK2 protein (p.Ser115Ile). This variant is not present in population databases (gnomAD no frequency). This variant has not been reported in the literature in individuals affected with NTRK2-related conditions. ClinVar contains an entry for this variant (Variation ID: 2705491). Invitae Evidence Modeling of protein sequence and biophysical properties (such as structural, functional, and spatial information, amino acid conservation, physicochemical variation, residue mobility, and thermodynamic stability) indicates that this missense variant is not expected to disrupt NTRK2 protein function with a negative predictive value of 80%. In summary, the available evidence is currently insufficient to determine the role of this variant in disease. Therefore, it has been classified as a Variant of Uncertain Significance.

NM_006180.6(NTRK2):c.344G>T (p.Ser115Ile)

Gene: NTRK2 (neurotrophic receptor tyrosine kinase 2; plus strand). Cytogenetic location: 9q21.33.
Variant type: single nucleotide variant.
Coding change: c.344G>T on transcript NM_006180.6 (MANE Select); coding-DNA position 344, G replaced by T.
Protein change: p.Ser115Ile; replaces serine 115 with isoleucine.
Molecular consequence: missense variant. On other transcripts: 5 prime UTR variant (4).
Genome position (GRCh38, 1-based): chr9:84,702,404, G>T. VCF-style: chr9-84702404-G-T. GRCh37 (hg19) VCF-style: chr9-87317319-G-T.
Other names: c.344G>T, p.Ser115Ile (NM_001007097.3, NM_001018064.3, NM_001018065.2 and 19 more transcripts); c.-125G>T (NM_001369535.1, NM_001369536.1, NM_001369550.1 and 1 more transcripts); short protein forms S115I.
Identifiers: ClinVar variation 2705491 (VCV002705491.3), dbSNP rs2131695860, ClinGen allele CA374005302.